The following is an entry in ClinVar:

NM_005413.4(SIX3):c.859G>A (p.Gly287Ser)

Gene: SIX3 (SIX homeobox 3; plus strand). Cytogenetic location: 2p21.
Variant type: single nucleotide variant.
Coding change: c.859G>A on transcript NM_005413.4 (MANE Select); coding-DNA position 859, G replaced by A.
Protein change: p.Gly287Ser; replaces glycine 287 with serine.
Molecular consequence: missense variant.
Genome position (GRCh38, 1-based): chr2:44,944,620, G>A. VCF-style: chr2-44944620-G-A. GRCh37 (hg19) VCF-style: chr2-45171759-G-A.
Other names: short protein forms G287S.
Identifiers: ClinVar variation 2632999 (VCV002632999.1), dbSNP rs1440905862, ClinGen allele CA346800530.

ClinVar aggregate classification (germline): Uncertain significance (1 of 4 stars; one submission).

Conditions:
SIX3-related disorder. Also called: SIX3-related condition; SIX3-Related Disorders.

Allele frequency attached by ClinVar (database versions not stated): TOPMed below 0.00001; gnomAD exomes 0.00002.

Submission:

PreventionGenetics, part of Exact Sciences
Classification: Uncertain significance for SIX3-related condition. Last evaluated: 2023-05-01. Review status: criteria provided, single submitter. Criteria: ACMG Guidelines, 2015. Collection method: clinical testing. Allele origin: germline.
Comment: The SIX3 c.859G>A variant is predicted to result in the amino acid substitution p.Gly287Ser. To our knowledge, this variant has not been reported in the literature or in a large population database, indicating this variant is rare. At this time, the clinical significance of this variant is uncertain due to the absence of conclusive functional and genetic evidence.